The following is an entry in ClinVar:

NM_003906.5(MCM3AP):c.5597C>G (p.Ser1866Trp)

Genes: MCM3AP (minichromosome maintenance complex component 3 associated protein; minus strand), MCM3AP-AS1 (MCM3AP antisense RNA 1; plus strand). Cytogenetic location: 21q22.3.
Variant type: single nucleotide variant.
Coding change: c.5597C>G on transcript NM_003906.5 (MANE Select); coding-DNA position 5597, C replaced by G.
Protein change: p.Ser1866Trp; replaces serine 1866 with tryptophan.
Molecular consequence: missense variant. On other transcripts: non-coding transcript variant (4).
Genome position (GRCh38, 1-based): chr21:46,240,847, G>C on the plus strand (C>G on the coding strand, the complement: MCM3AP is on the minus strand). VCF-style: chr21-46240847-G-C. GRCh37 (hg19) VCF-style: chr21-47660761-G-C.
Other names: short protein forms S1866W.
Identifiers: ClinVar variation 1516771 (VCV001516771.5), dbSNP rs749333870, ClinGen allele CA10075804.

ClinVar aggregate classification (germline): Uncertain significance (1 of 4 stars; one submission).

Allele frequency attached by ClinVar (database versions not stated): 1000 Genomes Project 30x 0.00016.

Submission:

Labcorp Genetics (formerly Invitae), Labcorp
Classification: Uncertain significance. Last evaluated: 2022-08-16. Review status: criteria provided, single submitter. Criteria: Invitae Variant Classification Sherloc (09022015). Collection method: clinical testing. Allele origin: germline.
Comment: This sequence change replaces serine, which is neutral and polar, with tryptophan, which is neutral and slightly polar, at codon 1866 of the MCM3AP protein (p.Ser1866Trp). This variant is present in population databases (rs749333870, gnomAD no frequency). This variant has not been reported in the literature in individuals affected with MCM3AP-related conditions. ClinVar contains an entry for this variant (Variation ID: 1516771). Algorithms developed to predict the effect of missense changes on protein structure and function are either unavailable or do not agree on the potential impact of this missense change (SIFT: "Deleterious"; PolyPhen-2: "Probably Damaging"; Align-GVGD: "Class C0"). In summary, the available evidence is currently insufficient to determine the role of this variant in disease. Therefore, it has been classified as a Variant of Uncertain Significance.